The following is an entry in ClinVar:

ClinVar aggregate classification (germline): Uncertain significance (1 of 4 stars; one submission).

Submission:

Ambry Genetics
Classification: Uncertain significance. Last evaluated: 2021-07-13. Review status: criteria provided, single submitter. Criteria: Ambry Variant Classification Scheme 2023. Collection method: clinical testing. Allele origin: germline.
Comment: The p.A292V variant (also known as c.875C>T), located in coding exon 6 of the BUB3 gene, results from a C to T substitution at nucleotide position 875. The alanine at codon 292 is replaced by valine, an amino acid with similar properties. This amino acid position is conserved. In addition, this alteration is predicted to be deleterious by in silico analysis. Since supporting evidence is limited at this time, the clinical significance of this alteration remains unclear.

NM_004725.4(BUB3):c.875C>T (p.Ala292Val)

Gene: BUB3 (BUB3 mitotic checkpoint protein; plus strand). Cytogenetic location: 10q26.13.
Variant type: single nucleotide variant.
Coding change: c.875C>T on transcript NM_004725.4 (MANE Select); coding-DNA position 875, C replaced by T.
Protein change: p.Ala292Val; replaces alanine 292 with valine.
Molecular consequence: missense variant.
Genome position (GRCh38, 1-based): chr10:123,162,732, C>T. VCF-style: chr10-123162732-C-T. GRCh37 (hg19) VCF-style: chr10-124922248-C-T.
Other names: c.875C>T, p.Ala292Val (NM_001007793.3); short protein forms A292V.
Identifiers: ClinVar variation 1764564 (VCV001764564.2), dbSNP rs898150775, ClinGen allele CA215183715.